The following is an entry in ClinVar:

ClinVar aggregate classification (germline): Likely benign. Review status: criteria provided, multiple submitters, no conflicts (2 of 4 stars). 3 submissions from 3 submitters: Likely benign (2). 1 of the submissions does not count toward it. Last evaluated 2026-01-21.

Conditions:
PEX16-related disorder. Also called: PEX16-related condition.
Peroxisome biogenesis disorder. Identifiers: Orphanet 79189, MedGen C1832200, MONDO:0019234. Disease mechanism: loss of function.

Allele frequency attached by ClinVar (database versions not stated): ESP Exome Variant Server 0.00008; gnomAD 0.00009 and 0.00010; gnomAD exomes 0.00010 and 0.00018; TOPMed 0.00010; ExAC 0.00019.
gnomAD v4.1: 162 of 1,613,344 alleles (0.01%); highest among the groups gnomAD compares: Middle Eastern, 0.05%; no homozygotes.

Submissions (3):

Labcorp Genetics (formerly Invitae), Labcorp
Classification: Likely benign for Peroxisome biogenesis disorder. Last evaluated: 2026-01-21. Review status: criteria provided, single submitter. Criteria: Invitae Variant Classification Sherloc (09022015). Collection method: clinical testing. Allele origin: germline.

Blueprint Genetics
Classification: Likely benign. Last evaluated: 2024-03-08. Review status: criteria provided, single submitter. Criteria: ACMG Guidelines, 2015. Collection method: clinical testing. Allele origin: germline.

PreventionGenetics, part of Exact Sciences
Classification: Likely benign for PEX16-related condition. Last evaluated: 2020-07-15. Review status: no assertion criteria provided. Collection method: clinical testing. Allele origin: germline. Not counted in ClinVar's aggregate classification.
Comment: This variant is classified as likely benign based on ACMG/AMP sequence variant interpretation guidelines (Richards et al. 2015 PMID: 25741868, with internal and published modifications).

NM_004813.4(PEX16):c.960C>T (p.Leu320=)

Gene: PEX16 (peroxisomal biogenesis factor 16; minus strand). Cytogenetic location: 11p11.2.
Variant type: single nucleotide variant.
Coding change: c.960C>T on transcript NM_004813.4 (MANE Select); coding-DNA position 960, C replaced by T.
Protein change: p.Leu320=; no amino-acid change (leucine 320 retained).
Molecular consequence: synonymous variant. On other transcripts: intron variant (1).
Genome position (GRCh38, 1-based): chr11:45,910,305, G>A on the plus strand (C>T on the coding strand, the complement: PEX16 is on the minus strand). VCF-style: chr11-45910305-G-A. GRCh37 (hg19) VCF-style: chr11-45931856-G-A.
Other names: c.960C>T (NM_004813.2); c.953-128C>T (NM_057174.3).
Identifiers: ClinVar variation 1146416 (VCV001146416.12), dbSNP rs370792374, ClinGen allele CA5959724.